The following is an entry in ClinVar:

ClinVar aggregate classification (germline): Pathogenic (1 of 4 stars; one submission).

Submission:

GeneDx
Classification: Pathogenic. Last evaluated: 2017-09-26. Review status: criteria provided, single submitter. Criteria: GeneDx Variant Classification (06012015). Collection method: clinical testing. Allele origin: germline. Affected: yes.
Comment: The c.458dupT variant in the SLC20A2 gene has not been reported previously as a pathogenic variant nor as a benign variant, to our knowledge. The c.458dupT variant causes a frameshift starting with codon Leucine 153, changes this amino acid to a Proline residue, and creates a premature Stop codon at position 105 of the new reading frame, denoted p.Leu153PhefsX105. This variant is predicted to cause loss of normal protein function either through protein truncation or nonsense-mediated mRNA decay. The c.458dupT variant is not observed in large population cohorts (Lek et al., 2016). We interpret c.458dupT as a pathogenic variant.

NM_001257180.2(SLC20A2):c.458dup (p.Leu153fs)

Gene: SLC20A2 (solute carrier family 20 member 2; minus strand). Cytogenetic location: 8p11.21.
Variant type: Duplication.
Coding change: c.458dup on transcript NM_001257180.2 (MANE Select); coding-DNA position 458, one base duplicated (T; older notation c.458dupT).
Protein change: p.Leu153fs; shifts the reading frame from leucine 153.
Molecular consequence: frameshift variant.
Genome position (GRCh38, 1-based): chr8:42,463,063, A duplicated on the plus strand (T on the coding strand, the reverse complement: SLC20A2 is on the minus strand); the first of 2 consecutive A bases (chr8:42,463,063-42,463,064); duplicating either gives the same sequence. VCF-style (leftmost placement, unchanged base first): chr8-42463062-C-CA. GRCh37 (hg19) VCF-style: chr8-42320580-C-CA.
Other names: c.458dup, p.Leu153fs (NM_001257181.2, NM_006749.5); c.458dupT (NM_006749.4); short protein forms L153fs.
Identifiers: ClinVar variation 452417 (VCV000452417.2), dbSNP rs1554557554, ClinGen allele CA658657769.